The following is an entry in ClinVar:

NM_144670.6(A2ML1):c.4151T>C (p.Leu1384Ser)

Gene: A2ML1 (alpha-2-macroglobulin like 1; plus strand). Cytogenetic location: 12p13.31.
Variant type: single nucleotide variant.
Coding change: c.4151T>C on transcript NM_144670.6 (MANE Select); coding-DNA position 4151, T replaced by C.
Protein change: p.Leu1384Ser; replaces leucine 1384 with serine.
Molecular consequence: missense variant.
Genome position (GRCh38, 1-based): chr12:8,868,626, T>C. VCF-style: chr12-8868626-T-C. GRCh37 (hg19) VCF-style: chr12-9021222-T-C.
Other names: c.2678T>C, p.Leu893Ser (NM_001282424.3); short protein forms L1384S, L893S.
Identifiers: ClinVar variation 3524085 (VCV003524085.1).

ClinVar aggregate classification (germline): Uncertain significance (1 of 4 stars; one submission).

Submission:

Ambry Genetics
Classification: Uncertain significance. Last evaluated: 2024-09-11. Review status: criteria provided, single submitter. Criteria: Ambry Variant Classification Scheme 2023. Collection method: clinical testing. Allele origin: germline.
Comment: The p.L1384S variant (also known as c.4151T>C), located in coding exon 32 of the A2ML1 gene, results from a T to C substitution at nucleotide position 4151. The leucine at codon 1384 is replaced by serine, an amino acid with dissimilar properties. This amino acid position is conserved. In addition, this alteration is predicted to be tolerated by in silico analysis. Based on the available evidence, the clinical significance of this variant remains unclear.